The following is an entry in ClinVar:

ClinVar aggregate classification (germline): Likely benign (0 of 4 stars; one submission).

Conditions:
BRCA1-related disorder. Also called: BRCA1-related condition.

Allele frequency attached by ClinVar (database versions not stated): gnomAD 0.00001; TOPMed 0.00002; gnomAD exomes 0.00003; ExAC 0.00006.
gnomAD v4.1: 16 of 1,613,090 alleles (0.00099%); highest among the groups gnomAD compares: Admixed American, 0.025%; no homozygotes.

Submission:

PreventionGenetics, part of Exact Sciences
Classification: Likely benign for BRCA1-related condition. Last evaluated: 2019-07-30. Review status: no assertion criteria provided. Collection method: clinical testing. Allele origin: germline.
Comment: This variant is classified as likely benign based on ACMG/AMP sequence variant interpretation guidelines (Richards et al. 2015 PMID: 25741868, with internal and published modifications).

NM_007294.4(BRCA1):c.5468-30C>G

Gene: BRCA1 (BRCA1 DNA repair associated; minus strand). Cytogenetic location: 17q21.31.
Variant type: single nucleotide variant.
Coding change: c.5468-30C>G on transcript NM_007294.4 (MANE Select); 30 bases into the intron before coding-DNA position 5468, C replaced by G.
Molecular consequence: intron variant.
Genome position (GRCh38, 1-based): chr17:43,045,832, G>C on the plus strand (C>G on the coding strand, the complement: BRCA1 is on the minus strand). VCF-style: chr17-43045832-G-C. GRCh37 (hg19) VCF-style: chr17-41197849-G-C.
Other names: c.2015-30C>G (NM_001408465.1, NM_001408463.1, NM_001408462.1 and 7 more transcripts); c.1946-30C>G (NM_001408482.1, NM_001408484.1, NM_001408485.1 and 5 more transcripts); c.5204-30C>G (NM_001407920.1, NM_001407923.1, NM_001407922.1 and 4 more transcripts); c.5327-30C>G (NM_001407696.1, NM_001407725.1, NM_001407727.1 and 12 more transcripts); c.5324-30C>G (NM_001407751.1, NM_001407740.1, NM_001407739.1 and 18 more transcripts); c.5132-30C>G (NM_001407954.1, NM_001407952.1, NM_001407950.1 and 3 more transcripts); c.1892-30C>G (NM_001408504.1, NM_001408503.1, NM_001408502.1); c.5321-30C>G (NM_001407847.1, NM_001407841.1, NM_001407838.1 and 12 more transcripts); and 83 more.
Identifiers: ClinVar variation 3034892 (VCV003034892.2), dbSNP rs757415688, ClinGen allele CA055121.